The following is an entry in ClinVar:

ClinVar aggregate classification (germline): Benign (0 of 4 stars; one submission).

Conditions:
ALPK2-related disorder. Also called: ALPK2-related condition.

Allele frequency attached by ClinVar (database versions not stated): 1000 Genomes Project 30x 0.01265; 1000 Genomes Project 0.01298; ESP Exome Variant Server 0.01853; TOPMed 0.01942; gnomAD 0.01957; ExAC 0.02078; gnomAD exomes 0.02553.
gnomAD v4.1: 40,306 of 1,613,944 alleles (2.5%); highest among the groups gnomAD compares: Non-Finnish European, 2.8%; 577 homozygotes.

Submission:

PreventionGenetics, part of Exact Sciences
Classification: Benign for ALPK2-related condition. Last evaluated: 2019-05-06. Review status: no assertion criteria provided. Collection method: clinical testing. Allele origin: germline.
Comment: This variant is classified as benign based on ACMG/AMP sequence variant interpretation guidelines (Richards et al. 2015 PMID: 25741868, with internal and published modifications).

NM_052947.4(ALPK2):c.2625G>A (p.Thr875=)

Gene: ALPK2 (alpha kinase 2; minus strand). Cytogenetic location: 18q21.31.
Variant type: single nucleotide variant.
Coding change: c.2625G>A on transcript NM_052947.4 (MANE Select); coding-DNA position 2625, G replaced by A.
Protein change: p.Thr875=; no amino-acid change (threonine 875 retained).
Molecular consequence: synonymous variant.
Genome position (GRCh38, 1-based): chr18:58,537,562, C>T on the plus strand (G>A on the coding strand, the complement: ALPK2 is on the minus strand). VCF-style: chr18-58537562-C-T. GRCh37 (hg19) VCF-style: chr18-56204794-C-T.
Identifiers: ClinVar variation 3056386 (VCV003056386.2), dbSNP rs56390741, ClinGen allele CA8977042.